The following is an entry in ClinVar:

NM_000059.4(BRCA2):c.767C>G (p.Thr256Arg)

Gene: BRCA2 (BRCA2 DNA repair associated; plus strand). Cytogenetic location: 13q13.1.
Variant type: single nucleotide variant.
Coding change: c.767C>G on transcript NM_000059.4 (MANE Select); coding-DNA position 767, C replaced by G.
Protein change: p.Thr256Arg; replaces threonine 256 with arginine.
Molecular consequence: missense variant.
Genome position (GRCh38, 1-based): chr13:32,331,004, C>G. VCF-style: chr13-32331004-C-G. GRCh37 (hg19) VCF-style: chr13-32905141-C-G.
Other names: short protein forms T256R.
Identifiers: ClinVar variation 531319 (VCV000531319.11), dbSNP rs1064794265, ClinGen allele CA387760160.

ClinVar aggregate classification (germline): Uncertain significance. Review status: criteria provided, multiple submitters, no conflicts (2 of 4 stars). 3 submissions from 3 submitters: Uncertain significance (3). Last evaluated 2024-04-16.

Conditions:
Hereditary breast ovarian cancer syndrome. Also called: Hereditary breast and ovarian cancer syndrome (HBOC); BRCA1- and BRCA2-Associated Hereditary Breast and Ovarian Cancer; Hereditary breast and ovarian cancer syndrome; Breast and ovarian cancer; Hereditary breast and ovarian cancer; Hereditary breast and/or ovarian cancer syndrome. Identifiers: Orphanet 145, MedGen C0677776, MeSH D061325, MONDO:0003582. Disease mechanism: loss of function.
Hereditary cancer-predisposing syndrome. Also called: Hereditary neoplastic syndrome; Neoplastic Syndromes, Hereditary; Tumor predisposition; Hereditary Cancer Syndrome. Identifiers: Orphanet 140162, MedGen C0027672, MeSH D009386, MONDO:0015356.
BRCA2-related cancer predisposition. Identifiers: MedGen CN377758, MONDO:0700269.

Submissions (3):

All of Us Research Program, National Institutes of Health
Classification: Uncertain significance for BRCA2-related cancer predisposition. Last evaluated: 2024-04-16. Review status: criteria provided, single submitter. Criteria: ACMG Guidelines, 2015. Collection method: clinical testing. Allele origin: germline. Inheritance: Autosomal dominant inheritance. Observed: 1 variant allele, 1 heterozygote.
Comment: This missense variant replaces threonine with arginine at codon 256 of the BRCA2 protein. Computational prediction suggests that this variant may not impact protein structure and function (internally defined REVEL score threshold <= 0.5, PMID: 27666373). To our knowledge, functional studies have not been reported for this variant. This variant has not been reported in individuals affected with BRCA2-related disorders in the literature. This variant has not been identified in the general population by the Genome Aggregation Database (gnomAD). The available evidence is insufficient to determine the role of this variant in disease conclusively. Therefore, this variant is classified as a Variant of Uncertain Significance.

This study involves interpretation of variants in research participants for the purpose of population health screening. Participant phenotype was not available at the time of variant classification. Additional details can be found in publication PMID: 35346344, PMCID: PMC8962531

Ambry Genetics
Classification: Uncertain significance for Hereditary cancer-predisposing syndrome. Last evaluated: 2023-04-07. Review status: criteria provided, single submitter. Criteria: Ambry Variant Classification Scheme 2023. Collection method: clinical testing. Allele origin: germline.
Comment: The p.T256R variant (also known as c.767C>G), located in coding exon 8 of the BRCA2 gene, results from a C to G substitution at nucleotide position 767. The threonine at codon 256 is replaced by arginine, an amino acid with similar properties. This amino acid position is conserved. In addition, this alteration is predicted to be tolerated by in silico analysis. Since supporting evidence is limited at this time, the clinical significance of this alteration remains unclear.

Labcorp Genetics (formerly Invitae), Labcorp
Classification: Uncertain significance for Hereditary breast ovarian cancer syndrome. Last evaluated: 2022-01-27. Review status: criteria provided, single submitter. Criteria: Invitae Variant Classification Sherloc (09022015). Collection method: clinical testing. Allele origin: germline.
Comment: This sequence change replaces threonine, which is neutral and polar, with arginine, which is basic and polar, at codon 256 of the BRCA2 protein (p.Thr256Arg). This variant is not present in population databases (gnomAD no frequency). In summary, the available evidence is currently insufficient to determine the role of this variant in disease. Therefore, it has been classified as a Variant of Uncertain Significance. Advanced modeling of protein sequence and biophysical properties (such as structural, functional, and spatial information, amino acid conservation, physicochemical variation, residue mobility, and thermodynamic stability) performed at Invitae indicates that this missense variant is not expected to disrupt BRCA2 protein function. ClinVar contains an entry for this variant (Variation ID: 531319). This variant has not been reported in the literature in individuals affected with BRCA2-related conditions.